The following is an entry in ClinVar:

NM_001384732.1(CPLANE1):c.9389C>A (p.Thr3130Asn)

Gene: CPLANE1 (ciliogenesis and planar polarity effector complex subunit 1; minus strand). Cytogenetic location: 5p13.2.
Variant type: single nucleotide variant.
Coding change: c.9389C>A on transcript NM_001384732.1 (MANE Select); coding-DNA position 9389, C replaced by A.
Protein change: p.Thr3130Asn; replaces threonine 3130 with asparagine.
Molecular consequence: missense variant.
Genome position (GRCh38, 1-based): chr5:37,114,971, G>T on the plus strand (C>A on the coding strand, the complement: CPLANE1 is on the minus strand). VCF-style: chr5-37114971-G-T. GRCh37 (hg19) VCF-style: chr5-37115073-G-T.
Other names: c.9227C>A, p.Thr3076Asn (NM_023073.4); short protein forms T3130N, T3076N.
Identifiers: ClinVar variation 2164628 (VCV002164628.2), dbSNP rs554956977, ClinGen allele CA3237486.

ClinVar aggregate classification (germline): Uncertain significance. Review status: criteria provided, multiple submitters, no conflicts (2 of 4 stars). 2 submissions from 2 submitters: Uncertain significance (2). Last evaluated 2022-08-09.

Allele frequency attached by ClinVar (database versions not stated): gnomAD exomes 0.00002; gnomAD 0.00003; TOPMed 0.00003; ExAC 0.00008; 1000 Genomes Project 0.00020; 1000 Genomes Project 30x 0.00031.
gnomAD v4.1: 39 of 1,604,020 alleles (0.0024%); highest among the groups gnomAD compares: Admixed American, 0.0034%; no homozygotes.

Submissions (2):

Labcorp Genetics (formerly Invitae), Labcorp
Classification: Uncertain significance. Last evaluated: 2022-08-09. Review status: criteria provided, single submitter. Criteria: Invitae Variant Classification Sherloc (09022015). Collection method: clinical testing. Allele origin: germline.
Comment: This sequence change replaces threonine, which is neutral and polar, with asparagine, which is neutral and polar, at codon 3076 of the CPLANE1 protein (p.Thr3076Asn). This variant is present in population databases (rs554956977, gnomAD 0.009%). This variant has not been reported in the literature in individuals affected with CPLANE1-related conditions. Advanced modeling of protein sequence and biophysical properties (such as structural, functional, and spatial information, amino acid conservation, physicochemical variation, residue mobility, and thermodynamic stability) performed at Invitae indicates that this missense variant is not expected to disrupt CPLANE1 protein function. In summary, the available evidence is currently insufficient to determine the role of this variant in disease. Therefore, it has been classified as a Variant of Uncertain Significance.

Blueprint Genetics
Classification: Uncertain significance. Last evaluated: 2021-03-18. Review status: criteria provided, single submitter. Criteria: ACMG Guidelines, 2015. Collection method: clinical testing. Allele origin: germline.